The following is an entry in ClinVar:

NM_000540.3(RYR1):c.2603G>A (p.Arg868His)

Gene: RYR1 (ryanodine receptor 1; plus strand). Cytogenetic location: 19q13.2.
Variant type: single nucleotide variant.
Coding change: c.2603G>A on transcript NM_000540.3 (MANE Select); coding-DNA position 2603, G replaced by A.
Protein change: p.Arg868His; replaces arginine 868 with histidine.
Molecular consequence: missense variant.
Genome position (GRCh38, 1-based): chr19:38,463,448, G>A. VCF-style: chr19-38463448-G-A. GRCh37 (hg19) VCF-style: chr19-38954088-G-A.
Other names: c.2603G>A (NM_000540.2); c.2603G>A, p.Arg868His (NM_001042723.2); short protein forms R868H.
Identifiers: ClinVar variation 419631 (VCV000419631.27), dbSNP rs750938678, ClinGen allele CA063592.

ClinVar aggregate classification (germline): Conflicting classifications of pathogenicity. Review status: criteria provided, conflicting classifications (1 of 4 stars). 11 submissions from 10 submitters: Uncertain significance (5); Likely benign (6). Last evaluated 2026-05-29.

Conditions:
RYR1-related disorder. Also called: RYR1-related disorders; RYR1-related condition. Identifiers: MedGen CN239331.
Inborn genetic diseases. Identifiers: MedGen C0950123, MeSH D030342.
Congenital multicore myopathy with external ophthalmoplegia (CMYO1B). Also called: Minicore myopathy; MULTIMINICORE DISEASE WITH EXTERNAL OPHTHALMOPLEGIA; Minicore myopathy with external ophthalmoplegia; MULTICORE MYOPATHY; Congenital myopathy 1B, autosomal recessive. Identifiers: Orphanet 598, Orphanet 98905, MedGen C1850674, MONDO:0009712, OMIM 255320, HP:0003789.
Malignant hyperthermia, susceptibility to, 1 (MHS1). Also called: Malignant hyperthermia suceptibility 1; Anesthesia related hyperthermia; Malignant hyperpyrexia; Fulminating hyperpyrexia; Pharmacogenic myopathy; RYR1-Related Malignant Hyperthermia Susceptibility. Identifiers: Orphanet 423, MedGen C2930980, MONDO:0007783, OMIM 145600.

Allele frequency attached by ClinVar (database versions not stated): gnomAD 0.00006; TOPMed 0.00016; ExAC 0.00062.
gnomAD v4.1: 417 of 1,613,936 alleles (0.026%); highest among the groups gnomAD compares: South Asian, 0.29%; 1 homozygote.

Submissions (11):

Women's Health and Genetics/Laboratory Corporation of America, LabCorp
Classification: Likely benign. Last evaluated: 2026-05-29. Review status: criteria provided, single submitter. Criteria: LabCorp Variant Classification Summary - May 2015. Collection method: clinical testing. Allele origin: germline.
Comment: Variant summary: RYR1 c.2603G>A (p.Arg868His) results in a non-conservative amino acid change located in the Ryanodine receptor Ryr domain (IPR003032) of the encoded protein sequence. Algorithms developed to predict the effect of missense changes on protein structure and function all suggest that this variant is likely to be disruptive. The variant allele was found at a frequency of 0.00066 in 250922 control chromosomes, predominantly at a frequency of 0.0026 within the South Asian subpopulation in the gnomAD database. The observed variant frequency within South Asian control individuals in the gnomAD database exceeds the estimated maximal expected allele frequency for disease-causing variants in RYR1. c.2603G>A has been reported in one individual affected with Myopathy, RYR1-Associated (Snoeck_2015). These report does not provide unequivocal conclusions about association of the variant with Myopathy, RYR1-Associated. To our knowledge, no experimental evidence demonstrating an impact on protein function has been reported. The following publications have been ascertained in the context of this evaluation (PMID: 36983702, 25960145). ClinVar contains an entry for this variant (Variation ID: 419631). Based on the evidence outlined above, the variant was classified as likely benign.

Labcorp Genetics (formerly Invitae), Labcorp
Classification: Likely benign for RYR1-related disorder. Last evaluated: 2026-01-22. Review status: criteria provided, single submitter. Criteria: Invitae Variant Classification Sherloc (09022015). Collection method: clinical testing. Allele origin: germline.

PreventionGenetics, part of Exact Sciences
Classification: Uncertain significance for RYR1-related condition. Last evaluated: 2025-03-11. Review status: criteria provided, single submitter. Criteria: ACMG Guidelines, 2015. Collection method: clinical testing. Allele origin: germline.
Comment: The RYR1 c.2603G>A variant is predicted to result in the amino acid substitution p.Arg868His. This variant has been previously reported as a variant of uncertain significance in single patient with central core disease, but the variant was also found heterozygous in the asymptomatic parent (Snoeck et al. 2015. PubMed ID: 25960145). The c.2603G>A variant has an allele frequency of 0.26% in individuals of South Asian descent in gnomAD and has conflicting interpretations of likely benign and uncertain significance in ClinVar. At this time, the clinical significance of this variant is uncertain due to the absence of conclusive functional and genetic evidence.

Ambry Genetics
Classification: Likely benign for Inborn genetic diseases. Last evaluated: 2025-02-11. Review status: criteria provided, single submitter. Criteria: Ambry Variant Classification Scheme 2023. Collection method: clinical testing. Allele origin: germline.

Mayo Clinic Laboratories, Mayo Clinic
Classification: Uncertain significance. Last evaluated: 2023-10-11. Review status: criteria provided, single submitter. Criteria: ACMG Guidelines, 2015. Collection method: clinical testing. Allele origin: germline. Observed: 1 variant allele.

Revvity Omics, Revvity
Classification: Likely benign. Last evaluated: 2023-05-24. Review status: criteria provided, single submitter. Criteria: ACMG Guidelines, 2015. Collection method: clinical testing. Allele origin: germline.

Color Diagnostics, LLC DBA Color Health
Classification: Likely benign for Malignant hyperthermia, susceptibility to, 1. Last evaluated: 2022-05-03. Review status: criteria provided, single submitter. Criteria: ACMG Guidelines, 2015. Collection method: clinical testing. Allele origin: germline.

Broad Center for Mendelian Genomics, Broad Institute of MIT and Harvard
Classification: Uncertain significance. Last evaluated: 2020-01-22. Review status: criteria provided, single submitter. Criteria: ACMG Guidelines, 2015. Collection method: curation. Allele origin: germline.
Comment: The p.Arg868His variant in RYR1 has been reported in one individual with Central Core Disease, the individual's asymptomatic parent, and 1 homozygous individual undergoing genetic testing through GeneDx (PMID: 25960145; Variation ID: 419631), and has been identified in 0.2614% (80/30610) of South Asian chromosomes, 0.2258% (80/35428) of Latino chromosomes, and 0.002327% (3/128944) of European (non-Finnish) chromosomes by the Genome Aggregation Database (gnomAD; dbSNP rs750938678). This variant has also been reported as a VUS and likely benign variant in ClinVar (Variation ID: 419631). Computational prediction tools and conservation analyses do not provide strong support for or against an impact to the protein. One additional variant, resulting in a different amino acid change at the same position, p.Arg868Cys, has been reported as a VUS in association with disease in ClinVar (Variation ID: 590504). In summary, while the clinical significance of the p.Arg868His variant is uncertain, these data suggest that it is more likely to be benign. ACMG/AMP Criteria applied: BS1 (Richards 2015).

Illumina Laboratory Services, Illumina
Classification: Uncertain significance for Congenital multicore myopathy with external ophthalmoplegia. Last evaluated: 2018-08-02. Review status: criteria provided, single submitter. Criteria: ICSL Variant Classification Criteria 13 December 2019. Collection method: clinical testing. Allele origin: germline.

Illumina Laboratory Services, Illumina
Classification: Likely benign for Malignant hyperthermia, susceptibility to, 1. Last evaluated: 2018-08-02. Review status: criteria provided, single submitter. Criteria: ICSL Variant Classification Criteria 13 December 2019. Collection method: clinical testing. Allele origin: germline.
Comment: This variant was observed as part of a predisposition screen in an ostensibly healthy population. A literature search was performed for the gene, cDNA change, and amino acid change (where applicable). No publications were found based on this search. Allele frequency data from public databases allowed determination this variant is unlikely to cause disease. Therefore, this variant is classified as likely benign.

GeneDx
Classification: Uncertain significance. Last evaluated: 2017-03-27. Review status: criteria provided, single submitter. Criteria: GeneDx Variant Classification (06012015). Collection method: clinical testing. Allele origin: germline. Affected: yes.
Comment: The R868H variant has been previously reported in an individual with central core disease, however, this variant was noted to be inherited from an asymptomatic parent (Snoeck et al., 2015). The R868H variant is observed in 43/16330 (0.26%) alleles from individuals of South Asian background in large population cohorts, and 1 homozygous individual undergoing testing at GeneDx (Lek et al., 2016; 1000 Genomes Consortium et al., 2015; Exome Variant Server). This variant is a conservative amino acid substitution, which is not likely to impact secondary protein structure as these residues share similar properties. However, this substitution occurs at a position that is conserved in mammals, and in silico analysis predicts this variant is probably damaging to the protein structure/function.

Literature cited by the submitters: PubMed 25960145 (cited by Women's Health and Genetics/Laboratory Corporation of America, LabCorp and Mayo Clinic Laboratories, Mayo Clinic); PubMed 36983702 (cited by Women's Health and Genetics/Laboratory Corporation of America, LabCorp).